The following is an entry in ClinVar:

ClinVar aggregate classification (germline): Likely pathogenic (1 of 4 stars; one submission).

Conditions:
NR3C2-related disorder. Also called: NR3C2-related condition; NR3C2-related disorders.

Submission:

PreventionGenetics, part of Exact Sciences
Classification: Likely pathogenic for NR3C2-related condition. Last evaluated: 2025-06-16. Review status: criteria provided, single submitter. Criteria: ACMG Guidelines, 2015. Collection method: clinical testing. Allele origin: germline.
Comment: The NR3C2 c.2641+2T>G variant is predicted to disrupt the GT donor site and interfere with normal splicing. To our knowledge, this variant has not been reported in the literature or in a large population database (gnomAD), indicating this variant is rare. This variant is located in exon 7 of NR3C2. A different variant (c.2511-2A>C) that affected splicing of exon 7 and resulted in exon 7 skipping led to a frameshift and premature stop codon in exon 8 (Kanda et al. 2009. PubMed ID: 19912655). Variants that disrupt the consensus splice donor site in NR3C2 are expected to be pathogenic. This variant is interpreted as likely pathogenic.

NM_000901.5(NR3C2):c.2641+2T>G

Gene: NR3C2 (nuclear receptor subfamily 3 group C member 2; minus strand). Cytogenetic location: 4q31.23.
Variant type: single nucleotide variant.
Coding change: c.2641+2T>G on transcript NM_000901.5 (MANE Select); the canonical splice donor site of the intron after coding-DNA position 2641, T replaced by G.
Molecular consequence: splice donor variant.
Genome position (GRCh38, 1-based): chr4:148,120,156, A>C on the plus strand (T>G on the coding strand, the complement: NR3C2 is on the minus strand). VCF-style: chr4-148120156-A-C. GRCh37 (hg19) VCF-style: chr4-149041307-A-C.
Other names: c.2641+2T>G (NM_001437655.1, NM_001437654.1, NM_001437656.1); c.2290+2T>G (NM_001354819.1, NM_001166104.2); c.2653+2T>G (NM_001437657.1).
Identifiers: ClinVar variation 4999525 (VCV004999525.1).